The following is an entry in ClinVar:

ClinVar aggregate classification (germline): Conflicting classifications of pathogenicity. Review status: criteria provided, conflicting classifications (1 of 4 stars). 8 submissions from 8 submitters: Uncertain significance (1); Benign (2); Likely benign (5). Last evaluated 2025-10-01.

Conditions:
Maturity-onset diabetes of the young type 3. Also called: MODY, type III; MODY type 3. Identifiers: Orphanet 552, MedGen C1838100, MeSH C563933, MONDO:0010894, OMIM 600496. Disease mechanism: loss of function.
Maturity-onset diabetes of the young (MODY). Also called: Maturity onset diabetes mellitus in young. Identifiers: Orphanet 552, MedGen C0342276, MONDO:0018911, HP:0004904.

Allele frequency attached by ClinVar (database versions not stated): TOPMed 0.00014; 1000 Genomes Project 30x 0.00016; ExAC 0.00016; gnomAD 0.00017; 1000 Genomes Project 0.00020; ESP Exome Variant Server 0.00023.
gnomAD v4.1: 214 of 1,614,000 alleles (0.013%); highest among the groups gnomAD compares: Admixed American, 0.017%; no homozygotes.

Submissions (8):

Labcorp Genetics (formerly Invitae), Labcorp
Classification: Likely benign. Last evaluated: 2025-10-01. Review status: criteria provided, single submitter. Criteria: Invitae Variant Classification Sherloc (09022015). Collection method: clinical testing. Allele origin: germline.

Women's Health and Genetics/Laboratory Corporation of America, LabCorp
Classification: Benign. Last evaluated: 2024-12-10. Review status: criteria provided, single submitter. Criteria: LabCorp Variant Classification Summary - May 2015. Collection method: clinical testing. Allele origin: germline.

Blueprint Genetics
Classification: Likely benign. Last evaluated: 2024-10-11. Review status: criteria provided, single submitter. Criteria: ACMG Guidelines, 2015. Collection method: clinical testing. Allele origin: germline.

Ambry Genetics
Classification: Likely benign for Maturity-onset diabetes of the young. Last evaluated: 2023-03-26. Review status: criteria provided, single submitter. Criteria: Ambry Variant Classification Scheme 2023. Collection method: clinical testing. Allele origin: germline.

CeGaT Center for Human Genetics Tuebingen
Classification: Likely benign. Last evaluated: 2022-12-01. Review status: criteria provided, single submitter. Criteria: CeGaT Center For Human Genetics Tuebingen Variant Classification Criteria Version 2. Collection method: clinical testing. Allele origin: germline. Affected: yes. Observed: 1 variant allele.
Comment: HNF1A: BP4, BP7

Genetic Services Laboratory, University of Chicago
Classification: Likely benign. Last evaluated: 2019-03-12. Review status: criteria provided, single submitter. Criteria: ACMG Guidelines, 2015. Collection method: clinical testing. Allele origin: germline. Affected: no.

Illumina Laboratory Services, Illumina
Classification: Uncertain significance for Maturity-onset diabetes of the young type 3. Last evaluated: 2018-01-13. Review status: criteria provided, single submitter. Criteria: ICSL Variant Classification Criteria 13 December 2019. Collection method: clinical testing. Allele origin: germline.

Clinical Genomics, Uppaluri K&H Personalized Medicine Clinic
Classification: Benign for Maturity-onset diabetes of the young. Review status: criteria provided, single submitter. Criteria: K & H Uppaluri Personalized Medicine Clinic Variant Classification & Assertion Criteria_Updated V.1. Collection method: research. Allele origin: unknown. Inheritance: Autosomal dominant inheritance.
Comment: Mutations in HNF1A gene can predispose to MODY3. It is associated with both micro and macrovascular complications of diabetes, especially cardiovascular complications. Associated with glucosuria. May respond well to sulfonylureas. However, more evidence is required to confer the association of this particular variant rs145240086 with MODY3.

Literature cited by the submitters: PubMed 31517624 (cited by Clinical Genomics, Uppaluri K&H Personalized Medicine Clinic); PubMed 35328643 (cited by Clinical Genomics, Uppaluri K&H Personalized Medicine Clinic); PubMed 32395877 (cited by Clinical Genomics, Uppaluri K&H Personalized Medicine Clinic); PubMed 35673428 (cited by Clinical Genomics, Uppaluri K&H Personalized Medicine Clinic).

NM_000545.8(HNF1A):c.693G>A (p.Thr231=)

Gene: HNF1A (HNF1 homeobox A; plus strand). Cytogenetic location: 12q24.31.
Variant type: single nucleotide variant.
Coding change: c.693G>A on transcript NM_000545.8 (MANE Select); coding-DNA position 693, G replaced by A.
Protein change: p.Thr231=; no amino-acid change (threonine 231 retained).
Molecular consequence: synonymous variant.
Genome position (GRCh38, 1-based): chr12:120,993,686, G>A. VCF-style: chr12-120993686-G-A. GRCh37 (hg19) VCF-style: chr12-121431489-G-A.
Other names: c.693G>A, p.Thr231= (NM_001306179.2).
Identifiers: ClinVar variation 307460 (VCV000307460.49), dbSNP rs145240086, ClinGen allele CA6831799.
Genomic context (GRCh38, chr12:120,993,686, plus strand): 5'-GCAGATCCTGTTCCAGGCCTATGAGAGGCAGAAGAACCCTAGCAAGGAGGAGCGAGAGAC[G>A]CTAGTGGAGGAGTGCAATAGGTACAACGGCGGGCGGGAAACAGTGCTGGTTTGGTCTGGG-3'
Protein context (NP_000536.6, residues 221-241): QKNPSKEERE[Thr231=]LVEECNRAEC